The following is an entry in ClinVar:

NM_004370.6(COL12A1):c.1186G>A (p.Ala396Thr)

Gene: COL12A1 (collagen type XII alpha 1 chain; minus strand). Cytogenetic location: 6q13.
Variant type: single nucleotide variant.
Coding change: c.1186G>A on transcript NM_004370.6 (MANE Select); coding-DNA position 1186, G replaced by A.
Protein change: p.Ala396Thr; replaces alanine 396 with threonine.
Molecular consequence: missense variant. On other transcripts: intron variant (1).
Genome position (GRCh38, 1-based): chr6:75,183,956, C>T on the plus strand (G>A on the coding strand, the complement: COL12A1 is on the minus strand). VCF-style: chr6-75183956-C-T. GRCh37 (hg19) VCF-style: chr6-75893672-C-T.
Other names: p.Ala396Thr; c.73+18764G>A (NM_080645.3); short protein forms A396T.
Identifiers: ClinVar variation 573286 (VCV000573286.14), dbSNP rs202175607, ClinGen allele CA3894246.

ClinVar aggregate classification (germline): Conflicting classifications of pathogenicity. Review status: criteria provided, conflicting classifications (1 of 4 stars). 5 submissions from 5 submitters: Uncertain significance (4); Likely benign (1). Last evaluated 2026-02-02.

Conditions:
Ullrich congenital muscular dystrophy 2 (UCMD2). Identifiers: Orphanet 75840, MedGen C4225314, MONDO:0014654, OMIM 616470.
Bethlem myopathy 2 (BTHLM2). Identifiers: Orphanet 536516, Orphanet 610, MedGen C4225313, MONDO:0034022, OMIM 616471.

Allele frequency attached by ClinVar (database versions not stated): gnomAD 0.00003; TOPMed 0.00007; ESP Exome Variant Server 0.00008.
gnomAD v4.1: 65 of 1,614,054 alleles (0.004%); highest among the groups gnomAD compares: Middle Eastern, 0.049%; no homozygotes.

Submissions (5):

Labcorp Genetics (formerly Invitae), Labcorp
Classification: Likely benign for Bethlem myopathy 2; Ullrich congenital muscular dystrophy 2. Last evaluated: 2026-02-02. Review status: criteria provided, single submitter. Criteria: Invitae Variant Classification Sherloc (09022015). Collection method: clinical testing. Allele origin: germline.

Mayo Clinic Laboratories, Mayo Clinic
Classification: Uncertain significance. Last evaluated: 2023-08-15. Review status: criteria provided, single submitter. Criteria: ACMG Guidelines, 2015. Collection method: clinical testing. Allele origin: germline. Observed: 1 variant allele.
Comment: BP4

GeneDx
Classification: Uncertain significance. Last evaluated: 2023-04-17. Review status: criteria provided, single submitter. Criteria: GeneDx Variant Classification Process June 2021. Collection method: clinical testing. Allele origin: germline. Affected: yes.
Comment: Has not been previously published as pathogenic or benign to our knowledge; In silico analysis supports that this missense variant does not alter protein structure/function

Baylor Genetics
Classification: Uncertain significance for Ullrich congenital muscular dystrophy 2. Last evaluated: 2020-01-13. Review status: criteria provided, single submitter. Criteria: ACMG Guidelines, 2015. Collection method: clinical testing. Allele origin: unknown. Affected: yes.
Comment: This variant was determined to be of uncertain significance according to ACMG Guidelines, 2015 [PMID:25741868].

Breakthrough Genomics
Classification: Uncertain significance. Review status: criteria provided, single submitter. Criteria: ACMG Guidelines, 2015. Collection method: not provided. Allele origin: germline. Inheritance: Autosomal recessive inheritance. Affected: yes.